The following is an entry in ClinVar:

NM_003872.3(NRP2):c.1840A>G (p.Thr614Ala)

Gene: NRP2 (neuropilin 2; plus strand). Cytogenetic location: 2q33.3.
Variant type: single nucleotide variant.
Coding change: c.1840A>G on transcript NM_003872.3 (MANE Select); coding-DNA position 1840, A replaced by G.
Protein change: p.Thr614Ala; replaces threonine 614 with alanine.
Molecular consequence: missense variant.
Genome position (GRCh38, 1-based): chr2:205,749,778, A>G. VCF-style: chr2-205749778-A-G. GRCh37 (hg19) VCF-style: chr2-206614502-A-G.
Other names: c.1840A>G, p.Thr614Ala (NM_018534.4, NM_201266.2, NM_201267.2 and 1 more transcripts); short protein forms T614A.
Identifiers: ClinVar variation 4986360 (VCV004986360.1).

ClinVar aggregate classification (germline): Uncertain significance (1 of 4 stars; one submission).

Conditions:
NRP2-related disorder. Also called: NRP2-related condition.

Submission:

PreventionGenetics, part of Exact Sciences
Classification: Uncertain significance for NRP2-related condition. Last evaluated: 2025-07-24. Review status: criteria provided, single submitter. Criteria: ACMG Guidelines, 2015. Collection method: clinical testing. Allele origin: germline.
Comment: The NRP2 c.1840A>G variant is predicted to result in the amino acid substitution p.Thr614Ala. To our knowledge, this variant has not been reported in the literature or in a large population database (gnomAD), indicating this variant is rare. At this time, the clinical significance of this variant is uncertain due to the absence of conclusive functional and genetic evidence.